The following is an entry in ClinVar:

NM_000186.4(CFH):c.3493+1G>C

Gene: CFH (complement factor H; plus strand). Cytogenetic location: 1q31.3.
Variant type: single nucleotide variant.
Coding change: c.3493+1G>C on transcript NM_000186.4 (MANE Select); the canonical splice donor site of the intron after coding-DNA position 3493, G replaced by C.
Molecular consequence: splice donor variant.
Genome position (GRCh38, 1-based): chr1:196,746,000, G>C. VCF-style: chr1-196746000-G-C. GRCh37 (hg19) VCF-style: chr1-196715130-G-C.
Identifiers: ClinVar variation 4291587 (VCV004291587.1).

ClinVar aggregate classification (germline): Pathogenic, low penetrance (1 of 4 stars; one submission).

Conditions:
Atypical hemolytic-uremic syndrome. Identifiers: Orphanet 2134, MedGen C2931788, MONDO:0016244.

Submission:

Genomenon, Inc
Classification: Pathogenic, low penetrance for Atypical hemolytic-uremic syndrome. Last evaluated: 2025-10-02. Review status: criteria provided, single submitter. Criteria: Genomenon Sequence Variant Interpretation Standards - Updated. Collection method: curation. Allele origin: germline. Affected: yes.
Comment: CFH c.3493+1G>C is a canonical splice variant located in the donor splice region of intron 21. It is predicted to affect mRNA splicing, leading to a deleterious effect on the CFH protein. This variant has been observed in at least one proband affected with atypical hemolytic-uremic syndrome (PMID:33956337). It is absent or not present at a significant frequency in gnomAD. In conclusion, we classify CFH c.3493+1G>C as a pathogenic, low penetrance variant.

Literature cited by the submitters: PubMed 33956337.